The following is an entry in ClinVar:

ClinVar aggregate classification (germline): Uncertain significance (1 of 4 stars; one submission).

gnomAD v4.1: 1 of 1,606,978 alleles (0.000062%); highest among the groups gnomAD compares: Middle Eastern, 0.017%; no homozygotes.

Submission:

Labcorp Genetics (formerly Invitae), Labcorp
Classification: Uncertain significance. Last evaluated: 2024-07-29. Review status: criteria provided, single submitter. Criteria: Invitae Variant Classification Sherloc (09022015). Collection method: clinical testing. Allele origin: germline.
Comment: This sequence change replaces proline, which is neutral and non-polar, with serine, which is neutral and polar, at codon 1404 of the ATRN protein (p.Pro1404Ser). This variant is not present in population databases (gnomAD no frequency). This variant has not been reported in the literature in individuals affected with ATRN-related conditions. ClinVar contains an entry for this variant (Variation ID: 1947983). An algorithm developed to predict the effect of missense changes on protein structure and function (PolyPhen-2) suggests that this variant is likely to be tolerated. In summary, the available evidence is currently insufficient to determine the role of this variant in disease. Therefore, it has been classified as a Variant of Uncertain Significance.

NM_139321.3(ATRN):c.4210C>T (p.Pro1404Ser)

Gene: ATRN (attractin; plus strand). Cytogenetic location: 20p13.
Variant type: single nucleotide variant.
Coding change: c.4210C>T on transcript NM_139321.3 (MANE Select); coding-DNA position 4210, C replaced by T.
Protein change: p.Pro1404Ser; replaces proline 1404 with serine.
Molecular consequence: missense variant.
Genome position (GRCh38, 1-based): chr20:3,646,767, C>T. VCF-style: chr20-3646767-C-T. GRCh37 (hg19) VCF-style: chr20-3627414-C-T.
Other names: short protein forms P1404S.
Identifiers: ClinVar variation 1947983 (VCV001947983.5), dbSNP rs1264903271, ClinGen allele CA408098619.